The following is an entry in ClinVar:

NM_006059.4(LAMC3):c.340T>G (p.Tyr114Asp)

Gene: LAMC3 (laminin subunit gamma 3; plus strand). Cytogenetic location: 9q34.12.
Variant type: single nucleotide variant.
Coding change: c.340T>G on transcript NM_006059.4 (MANE Select); coding-DNA position 340, T replaced by G.
Protein change: p.Tyr114Asp; replaces tyrosine 114 with aspartic acid.
Molecular consequence: missense variant.
Genome position (GRCh38, 1-based): chr9:131,009,554, T>G. VCF-style: chr9-131009554-T-G. GRCh37 (hg19) VCF-style: chr9-133884941-T-G.
Other names: short protein forms Y114D.
Identifiers: ClinVar variation 977370 (VCV000977370.10), dbSNP rs764924966, ClinGen allele CA5286654.

ClinVar aggregate classification (germline): Uncertain significance. Review status: criteria provided, multiple submitters, no conflicts (2 of 4 stars). 4 submissions from 4 submitters: Uncertain significance (4). Last evaluated 2025-02-26.

Conditions:
Occipital pachygyria and polymicrogyria. Identifiers: Orphanet 280640, MedGen C3279875, MONDO:0013583, OMIM 614115.
Inborn genetic diseases. Identifiers: MedGen C0950123, MeSH D030342.

Allele frequency attached by ClinVar (database versions not stated): gnomAD exomes 0.00002 and 0.00005; ExAC 0.00010; gnomAD 0.00020 and 0.00023; TOPMed 0.00024.
gnomAD v4.1: 52 of 1,570,100 alleles (0.0033%); highest among the groups gnomAD compares: African/African-American, 0.069%; no homozygotes.

Submissions (4):

Ambry Genetics
Classification: Uncertain significance for Inborn genetic diseases. Last evaluated: 2025-02-26. Review status: criteria provided, single submitter. Criteria: Ambry Variant Classification Scheme 2023. Collection method: clinical testing. Allele origin: germline.

GeneDx
Classification: Uncertain significance. Last evaluated: 2022-10-07. Review status: criteria provided, single submitter. Criteria: GeneDx Variant Classification Process June 2021. Collection method: clinical testing. Allele origin: germline. Affected: yes.
Comment: In silico analysis supports that this missense variant has a deleterious effect on protein structure/function; Has not been previously published as pathogenic or benign to our knowledge

Labcorp Genetics (formerly Invitae), Labcorp
Classification: Uncertain significance. Last evaluated: 2022-07-23. Review status: criteria provided, single submitter. Criteria: Invitae Variant Classification Sherloc (09022015). Collection method: clinical testing. Allele origin: germline.
Comment: This sequence change replaces tyrosine, which is neutral and polar, with aspartic acid, which is acidic and polar, at codon 114 of the LAMC3 protein (p.Tyr114Asp). This variant is present in population databases (rs764924966, gnomAD 0.08%). This variant has not been reported in the literature in individuals affected with LAMC3-related conditions. ClinVar contains an entry for this variant (Variation ID: 977370). Algorithms developed to predict the effect of missense changes on protein structure and function are either unavailable or do not agree on the potential impact of this missense change (SIFT: "Tolerated"; PolyPhen-2: "Possibly Damaging"; Align-GVGD: "Class C0"). In summary, the available evidence is currently insufficient to determine the role of this variant in disease. Therefore, it has been classified as a Variant of Uncertain Significance.

New York Genome Center
Classification: Uncertain significance for Occipital pachygyria and polymicrogyria. Last evaluated: 2022-02-07. Review status: criteria provided, single submitter. Criteria: NYGC Assertion Criteria 2020. Collection method: clinical testing. Allele origin: germline. Observed: 1 heterozygote. Study: CSER-NYCKidSeq.